The following is an entry in ClinVar:

NM_007294.4(BRCA1):c.4932A>G (p.Glu1644=)

Gene: BRCA1 (BRCA1 DNA repair associated; minus strand). Cytogenetic location: 17q21.31.
Variant type: single nucleotide variant.
Coding change: c.4932A>G on transcript NM_007294.4 (MANE Select); coding-DNA position 4932, A replaced by G.
Protein change: p.Glu1644=; no amino-acid change (glutamic acid 1644 retained).
Molecular consequence: synonymous variant. On other transcripts: intron variant (1).
Genome position (GRCh38, 1-based): chr17:43,070,982, T>C on the plus strand (A>G on the coding strand, the complement: BRCA1 is on the minus strand). VCF-style: chr17-43070982-T-C. GRCh37 (hg19) VCF-style: chr17-41222999-T-C.
Other names: c.4719A>G, p.Glu1573= (NM_001407571.1, NM_001407894.1, NM_001407895.1 and 12 more transcripts); c.4998A>G, p.Glu1666= (NM_001407581.1, NM_001407582.1); c.4995A>G, p.Glu1665= (NM_001407583.1, NM_001407585.1, NM_001407587.1 and 1 more transcripts); c.839-7031A>G (NM_001408514.1); c.4992A>G, p.Glu1664= (NM_001407590.1, NM_001407591.1); c.4932A>G, p.Glu1644= (NM_001407593.1, NM_001407594.1, NM_001407596.1 and 8 more transcripts); c.4929A>G, p.Glu1643= (NM_001407610.1, NM_001407611.1, NM_001407612.1 and 17 more transcripts); c.4926A>G, p.Glu1642= (NM_001407627.1, NM_001407628.1, NM_001407629.1 and 14 more transcripts); and 71 more.
Identifiers: ClinVar variation 868421 (VCV000868421.3), dbSNP rs2052374025, ClinGen allele CA500231630.

Conditions:
Breast-ovarian cancer, familial, susceptibility to, 1 (BROVCA1). Also called: BRCA1 Hereditary Breast and Ovarian Cancer; OVARIAN CANCER, SUSCEPTIBILITY TO. Identifiers: Orphanet 145, MedGen C2676676, MONDO:0011450, OMIM 604370. Disease mechanism: loss of function.

Submission:

Brotman Baty Institute, University of Washington
No classification provided (evidence only). Condition: Breast-ovarian cancer, familial 1. Review status: no classification provided. Collection method: in vitro. Allele origin: not applicable. Functional consequence: functionally_normal.
ClinVar note: "not provided" was previously submitted as the classification for the variant. However, the classification appeared to be based only on an observation of functional data so it was converted to no classification on 2025-07-30.